The following is an entry in ClinVar:

ClinVar aggregate classification (germline): Uncertain significance (1 of 4 stars; one submission).

Conditions:
Polyhydramnios, megalencephaly, and symptomatic epilepsy (PMSE). Also called: PMSE SYNDROME. Identifiers: Orphanet 500533, MedGen C1970203, MONDO:0012611, OMIM 611087.

Allele frequency attached by ClinVar (database versions not stated): gnomAD exomes below 0.00001 and 0.00002; ExAC 0.00002; gnomAD 0.00007 and 0.00008; TOPMed 0.00009.
gnomAD v4.1: 16 of 1,613,928 alleles (0.00099%); highest among the groups gnomAD compares: African/African-American, 0.019%; no homozygotes.

Submission:

Labcorp Genetics (formerly Invitae), Labcorp
Classification: Uncertain significance for Polyhydramnios, megalencephaly, and symptomatic epilepsy. Last evaluated: 2022-06-20. Review status: criteria provided, single submitter. Criteria: Invitae Variant Classification Sherloc (09022015). Collection method: clinical testing. Allele origin: germline.
Comment: This sequence change falls in intron 7 of the STRADA gene. It does not directly change the encoded amino acid sequence of the STRADA protein. It affects a nucleotide within the consensus splice site. This variant is present in population databases (rs774256608, gnomAD 0.02%). This variant has not been reported in the literature in individuals affected with STRADA-related conditions. Variants that disrupt the consensus splice site are a relatively common cause of aberrant splicing (PMID: 17576681, 9536098). Algorithms developed to predict the effect of sequence changes on RNA splicing suggest that this variant is not likely to affect RNA splicing. In summary, the available evidence is currently insufficient to determine the role of this variant in disease. Therefore, it has been classified as a Variant of Uncertain Significance.

Literature cited by the submitters: PubMed 17576681; PubMed 9536098.

NM_001003787.4(STRADA):c.458-3C>T

Genes: STRADA (STE20 related adaptor alpha; minus strand), LOC125312417 (Sharpr-MPRA regulatory region 9817; plus strand). Cytogenetic location: 17q23.3.
Variant type: single nucleotide variant.
Coding change: c.458-3C>T on transcript NM_001003787.4 (MANE Select); 3 bases into the intron before coding-DNA position 458, C replaced by T.
Molecular consequence: intron variant.
Genome position (GRCh38, 1-based): chr17:63,710,617, G>A on the plus strand (C>T on the coding strand, the complement: STRADA is on the minus strand). VCF-style: chr17-63710617-G-A. GRCh37 (hg19) VCF-style: chr17-61787977-G-A.
Other names: c.347-3C>T (NM_001363789.1, NM_001003786.3, NM_153335.6); c.284-3C>T (NM_001363790.1, NM_001363791.1, NM_001003788.3); c.434-3C>T (NM_001363786.1); c.371-3C>T (NM_001165969.2, NM_001363787.1); c.326-3C>T (NM_001165970.2); c.458-3C>T (NM_001363788.1).
Identifiers: ClinVar variation 1422764 (VCV001422764.3), dbSNP rs774256608, ClinGen allele CA8703379.